The following is an entry in ClinVar:

NM_015629.4(PRPF31):c.1401G>A (p.Ala467=)

Gene: PRPF31 (pre-mRNA processing factor 31; plus strand). Cytogenetic location: 19q13.42.
Variant type: single nucleotide variant.
Coding change: c.1401G>A on transcript NM_015629.4 (MANE Select); coding-DNA position 1401, G replaced by A.
Protein change: p.Ala467=; no amino-acid change (alanine 467 retained).
Molecular consequence: synonymous variant.
Genome position (GRCh38, 1-based): chr19:54,131,333, G>A. VCF-style: chr19-54131333-G-A. GRCh37 (hg19) VCF-style: chr19-54634764-G-A.
Other names: c.1401G>A (NM_015629.3).
Identifiers: ClinVar variation 1539151 (VCV001539151.10), dbSNP rs140603969, ClinGen allele CA309332317.

ClinVar aggregate classification (germline): Likely benign. Review status: criteria provided, multiple submitters, no conflicts (2 of 4 stars). 3 submissions from 3 submitters: Likely benign (3). Last evaluated 2025-12-14.

Conditions:
PRPF31-related disorder. Also called: PRPF31-related condition.

Allele frequency attached by ClinVar (database versions not stated): ExAC 0.00002; gnomAD exomes 0.00002 and 0.00003; gnomAD 0.00003 and 0.00004; TOPMed 0.00003; ESP Exome Variant Server 0.00023.
gnomAD v4.1: 40 of 1,613,868 alleles (0.0025%); highest among the groups gnomAD compares: African/African-American, 0.0053%; no homozygotes.

Submissions (3):

PreventionGenetics, part of Exact Sciences
Classification: Likely benign for PRPF31-related condition. Last evaluated: 2025-12-14. Review status: criteria provided, single submitter. Criteria: ACMG Guidelines, 2015. Collection method: clinical testing. Allele origin: germline.
Comment: This variant is classified as likely benign based on ACMG/AMP sequence variant interpretation guidelines (Richards et al. 2015 PMID: 25741868, with internal and published modifications).

Blueprint Genetics
Classification: Likely benign. Last evaluated: 2024-02-21. Review status: criteria provided, single submitter. Criteria: ACMG Guidelines, 2015. Collection method: clinical testing. Allele origin: germline.

Labcorp Genetics (formerly Invitae), Labcorp
Classification: Likely benign. Last evaluated: 2023-05-20. Review status: criteria provided, single submitter. Criteria: Invitae Variant Classification Sherloc (09022015). Collection method: clinical testing. Allele origin: germline.